The following is an entry in ClinVar:

NM_001110556.2(FLNA):c.4756-13del

Gene: FLNA (filamin A; minus strand). Cytogenetic location: Xq28.
Variant type: Deletion.
Coding change: c.4756-13del on transcript NM_001110556.2 (MANE Select); 13 bases into the intron before coding-DNA position 4756, one base deleted (C; older notation c.4756-13delC).
Molecular consequence: intron variant.
Genome position (GRCh38, 1-based): chrX:154,357,636, G deleted on the plus strand (C on the coding strand, the reverse complement: FLNA is on the minus strand); the first of 2 consecutive G bases (chrX:154,357,636-154,357,637); deleting either gives the same sequence. VCF-style (leftmost placement, unchanged base first): chrX-154357635-AG-A. GRCh37 (hg19) VCF-style: chrX-153586003-AG-A.
Other names: c.4756-13delC (NM_001456.3); c.4756-13del (NM_001456.4).
Identifiers: ClinVar variation 512208 (VCV000512208.5), dbSNP rs782367104, ClinGen allele CA10560467.
Genomic context (GRCh38, chrX:154,357,635, plus strand): 5'-CGTCATGGTTGTCTTGGATGTGTGTCTTCTTCGGCTTGCCTTCGGGATCCTGTGTGGCAG[AG>A]GCAGGGGAGGCAGTTGGCCCAAGCCCGAGTAGCCCCGGGCCTGCCTCAGGCGCTCCCAGA-3'

ClinVar aggregate classification (germline): Likely benign. Review status: criteria provided, multiple submitters, no conflicts (2 of 4 stars). 3 submissions from 3 submitters: Likely benign (3). Last evaluated 2025-08-04.

Conditions:
Heterotopia, periventricular, X-linked dominant (PVNH1). Also called: PERIVENTRICULAR NODULAR HETEROTOPIA 1; X-linked periventricular heterotopia; PERIVENTRICULAR NODULAR HETEROTOPIA 4; HETEROTOPIA, PERIVENTRICULAR, 1. Identifiers: Orphanet 2149, Orphanet 82004, MedGen C1848213, MONDO:0010233, OMIM 300049.
Melnick-Needles syndrome (MNS). Also called: OSTEODYSPLASTY OF MELNICK AND NEEDLES; Melnick-Needles Syndrome (FLNA-MNS); MELNICK-NEEDLES OSTEODYSPLASTY. Identifiers: Orphanet 2484, MedGen C0025237, MONDO:0010650, OMIM 309350.
Oto-palato-digital syndrome, type II (OPD2). Also called: OPD II SYNDROME; Otopalatodigital Syndrome, Type II; FACIOPALATOOSSEOUS SYNDROME; Otopalatodigital Syndrome Type 2 (FLNA-OPD2). Identifiers: Orphanet 669, Orphanet 90652, MedGen C1844696, MONDO:0010571, OMIM 304120.
Frontometaphyseal dysplasia (FMD1). Identifiers: Orphanet 1826, MedGen C0265293, MONDO:0015942.

Submissions (3):

Labcorp Genetics (formerly Invitae), Labcorp
Classification: Likely benign for Oto-palato-digital syndrome, type II; Heterotopia, periventricular, X-linked dominant; Frontometaphyseal dysplasia; Melnick-Needles syndrome. Last evaluated: 2025-08-04. Review status: criteria provided, single submitter. Criteria: Invitae Variant Classification Sherloc (09022015). Collection method: clinical testing. Allele origin: germline.

Blueprint Genetics
Classification: Likely benign. Last evaluated: 2024-01-24. Review status: criteria provided, single submitter. Criteria: ACMG Guidelines, 2015. Collection method: clinical testing. Allele origin: germline.

GeneDx
Classification: Likely benign. Last evaluated: 2017-09-15. Review status: criteria provided, single submitter. Criteria: GeneDx Variant Classification (06012015). Collection method: clinical testing. Allele origin: germline. Affected: yes.
Comment: This variant is considered likely benign or benign based on one or more of the following criteria: it is a conservative change, it occurs at a poorly conserved position in the protein, it is predicted to be benign by multiple in silico algorithms, and/or has population frequency not consistent with disease.